The following is an entry in ClinVar:

NM_001698.3(AUH):c.408A>G (p.Ile136Met)

Gene: AUH (AU RNA binding methylglutaconyl-CoA hydratase; minus strand). Cytogenetic location: 9q22.31.
Variant type: single nucleotide variant.
Coding change: c.408A>G on transcript NM_001698.3 (MANE Select); coding-DNA position 408, A replaced by G.
Protein change: p.Ile136Met; replaces isoleucine 136 with methionine.
Molecular consequence: missense variant.
Genome position (GRCh38, 1-based): chr9:91,355,893, T>C on the plus strand (A>G on the coding strand, the complement: AUH is on the minus strand). VCF-style: chr9-91355893-T-C. GRCh37 (hg19) VCF-style: chr9-94118175-T-C.
Other names: c.408A>G, p.Ile136Met (NM_001306190.2); c.81A>G, p.Ile27Met (NM_001351431.2, NM_001351432.2, NM_001351433.2); short protein forms I27M, I136M.
Identifiers: ClinVar variation 2186555 (VCV002186555.4), dbSNP rs751160771, ClinGen allele CA5119867.

ClinVar aggregate classification (germline): Uncertain significance (1 of 4 stars; one submission).

Conditions:
3-methylglutaconic aciduria type 1 (MGCA1). Identifiers: Orphanet 67046, MedGen C0342727, MONDO:0009610, OMIM 250950.

Allele frequency attached by ClinVar (database versions not stated): TOPMed below 0.00001; gnomAD exomes 0.00004; ExAC 0.00009; gnomAD 0.00001.
gnomAD v4.1: 56 of 1,609,900 alleles (0.0035%); highest among the groups gnomAD compares: South Asian, 0.058%; 2 homozygotes.

Submission:

Labcorp Genetics (formerly Invitae), Labcorp
Classification: Uncertain significance for 3-methylglutaconic aciduria type 1. Last evaluated: 2022-08-15. Review status: criteria provided, single submitter. Criteria: Invitae Variant Classification Sherloc (09022015). Collection method: clinical testing. Allele origin: germline.
Comment: In summary, the available evidence is currently insufficient to determine the role of this variant in disease. Therefore, it has been classified as a Variant of Uncertain Significance. Algorithms developed to predict the effect of missense changes on protein structure and function are either unavailable or do not agree on the potential impact of this missense change (SIFT: "Deleterious"; PolyPhen-2: "Probably Damaging"; Align-GVGD: "Class C0"). This variant has not been reported in the literature in individuals affected with AUH-related conditions. This variant is present in population databases (rs751160771, gnomAD 0.06%). This sequence change replaces isoleucine, which is neutral and non-polar, with methionine, which is neutral and non-polar, at codon 136 of the AUH protein (p.Ile136Met).